The following is an entry in ClinVar:

NM_001256317.3(TMPRSS3):c.239G>A (p.Arg80His)

Gene: TMPRSS3 (transmembrane serine protease 3; minus strand). Cytogenetic location: 21q22.3.
Variant type: single nucleotide variant.
Coding change: c.239G>A on transcript NM_001256317.3 (MANE Select); coding-DNA position 239, G replaced by A.
Protein change: p.Arg80His; replaces arginine 80 with histidine.
Molecular consequence: missense variant. On other transcripts: 5 prime UTR variant (1).
Genome position (GRCh38, 1-based): chr21:42,389,012, C>T on the plus strand (G>A on the coding strand, the complement: TMPRSS3 is on the minus strand). VCF-style: chr21-42389012-C-T. GRCh37 (hg19) VCF-style: chr21-43809121-C-T.
Other names: c.239G>A, p.Arg80His (NM_024022.4, NM_032405.2); c.-143G>A (NM_032404.3); short protein forms R80H.
Identifiers: ClinVar variation 179855 (VCV000179855.15), dbSNP rs146159479, ClinGen allele CA185279.
Genomic context (GRCh38, chr21:42,389,012, plus strand): 5'-TCTTTGCAATCCGAGACTCCGTCACATCGAGCTATCAGCTCGATACACTTAAAGGATGAG[C>T]GACATCTGTACTTCCCTGAGCAGTCGAAGTGGACTGGGAAAAGGGAGGAAGGCAGGAATT-3'
Protein context (NP_001243246.1, residues 70-90): HFDCSGKYRC[Arg80His]SSFKCIELIA

ClinVar aggregate classification (germline): Conflicting classifications of pathogenicity. Review status: criteria provided, conflicting classifications (1 of 4 stars). 5 submissions from 5 submitters: Uncertain significance (4); Likely benign (1). Last evaluated 2025-07-15.

Conditions:
Autosomal recessive nonsyndromic hearing loss 8 (DFNB8). Also called: NEUROSENSORY NONSYNDROMIC RECESSIVE DEAFNESS 8; Deafness, autosomal recessive 10. Identifiers: Orphanet 90636, MedGen C1832827, MONDO:0010987, OMIM 601072.

Allele frequency attached by ClinVar (database versions not stated): gnomAD 0.00013; TOPMed 0.00022; 1000 Genomes Project 30x 0.00062; 1000 Genomes Project 0.00080.
gnomAD v4.1: 301 of 1,614,124 alleles (0.019%); highest among the groups gnomAD compares: East Asian, 0.34%; 1 homozygote.

Submissions (5):

GeneDx
Classification: Uncertain significance. Last evaluated: 2025-07-15. Review status: criteria provided, single submitter. Criteria: GeneDx Variant Classification Process June 2021. Collection method: clinical testing. Allele origin: germline. Affected: yes.
Comment: Observed as a heterozygous variant with no second TMPRSS3 variant identified in a patient with hearing loss in the published literature (PMID: 32235586); Published functional studies demonstrate a damaging effect due to reduced proteolytic activity (PMID: 32235586); In silico analysis suggests that this missense variant does not alter protein structure/function; This variant is associated with the following publications: (PMID: 34426522, 26346818, 34868270, 32235586, 37331337)

Blueprint Genetics
Classification: Uncertain significance. Last evaluated: 2024-09-17. Review status: criteria provided, single submitter. Criteria: ACMG Guidelines, 2015. Collection method: clinical testing. Allele origin: germline.

Labcorp Genetics (formerly Invitae), Labcorp
Classification: Uncertain significance. Last evaluated: 2022-08-16. Review status: criteria provided, single submitter. Criteria: Invitae Variant Classification Sherloc (09022015). Collection method: clinical testing. Allele origin: germline.
Comment: This sequence change replaces arginine, which is basic and polar, with histidine, which is basic and polar, at codon 80 of the TMPRSS3 protein (p.Arg80His). This variant is present in population databases (rs146159479, gnomAD 0.4%). This missense change has been observed in individual(s) with non syndromic deafness (PMID: 26346818, 32235586). ClinVar contains an entry for this variant (Variation ID: 179855). Advanced modeling of protein sequence and biophysical properties (such as structural, functional, and spatial information, amino acid conservation, physicochemical variation, residue mobility, and thermodynamic stability) performed at Invitae indicates that this missense variant is not expected to disrupt TMPRSS3 protein function. In summary, the available evidence is currently insufficient to determine the role of this variant in disease. Therefore, it has been classified as a Variant of Uncertain Significance.

Illumina Laboratory Services, Illumina
Classification: Uncertain significance for Autosomal recessive nonsyndromic hearing loss 8. Last evaluated: 2018-01-12. Review status: criteria provided, single submitter. Criteria: ICSL Variant Classification Criteria 13 December 2019. Collection method: clinical testing. Allele origin: germline.

Laboratory for Molecular Medicine, Mass General Brigham Personalized Medicine
Classification: Likely benign. Last evaluated: 2014-07-16. Review status: criteria provided, single submitter. Criteria: LMM Criteria. Collection method: clinical testing. Allele origin: germline. Observed: 2 variant alleles.
Comment: p.Arg80His in exon 4 of TMPRSS3: This variant is not expected to have clinical s ignificance due to a lack of conservation across species, including mammals. Of note, 5 mammals (mouse, rat, golden hamster, chinese hamster, and prairie vole) have a histidine (His) at this position despite high nearby amino acid conservat ion. In addition, computational prediction tools do not suggest a high likelihoo d of impact to the protein. This variant has been identified in 0.12% (11/8650) of East Asian chromosomes by the Exome Aggregation Consortium (ExAC .; dbSNP rs146159479).

Literature cited by the submitters: PubMed 26346818 (cited by Labcorp Genetics (formerly Invitae), Labcorp); PubMed 32235586 (cited by Labcorp Genetics (formerly Invitae), Labcorp).